The following is an entry in ClinVar:

ClinVar aggregate classification (germline): Likely benign (0 of 4 stars; one submission).

Conditions:
REN-related disorder. Also called: REN-related condition.

Submission:

PreventionGenetics, part of Exact Sciences
Classification: Likely benign for REN-related condition. Last evaluated: 2022-09-19. Review status: no assertion criteria provided. Collection method: clinical testing. Allele origin: germline.
Comment: This variant is classified as likely benign based on ACMG/AMP sequence variant interpretation guidelines (Richards et al. 2015 PMID: 25741868, with internal and published modifications).

NM_000537.4(REN):c.250-5dup

Gene: REN (renin; minus strand). Cytogenetic location: 1q32.1.
Variant type: Duplication.
Coding change: c.250-5dup on transcript NM_000537.4 (MANE Select); 5 bases into the intron before coding-DNA position 250, one base duplicated (C; older notation c.250-5dupC).
Molecular consequence: intron variant.
Genome position (GRCh38, 1-based): chr1:204,161,420, G duplicated on the plus strand (C on the coding strand, the reverse complement: REN is on the minus strand); the first of 5 consecutive G bases (chr1:204,161,420-204,161,424); duplicating any one gives the same sequence. VCF-style (leftmost placement, unchanged base first): chr1-204161419-T-TG. GRCh37 (hg19) VCF-style: chr1-204130547-T-TG.
Identifiers: ClinVar variation 3057778 (VCV003057778.2), dbSNP rs753208207, ClinGen allele CA528190793.
Genomic context (GRCh38, chr1:204,161,419, plus strand): 5'-GACGACTTTGAAGGTCTGGGGTGGGGTGCCGATGCCAATCTCGCCATAGTACTGGGTCTG[T>TG]GGGGGTAAAAAGAGAGGGCTGGAGGGGCTCAGGGGACCTTGGGTCTTGGGGTCTTGCCTG-3'